The following is an entry in ClinVar:

ClinVar aggregate classification (germline): Uncertain significance. Review status: criteria provided, multiple submitters, no conflicts (2 of 4 stars). 4 submissions from 4 submitters: Uncertain significance (4). Last evaluated 2026-01-19.

Conditions:
Cardiovascular phenotype. Identifiers: MedGen CN230736.
Cardiac arrhythmia. Also called: Arrhythmia; Cardiac rhythm disease. Identifiers: MedGen C0003811, MONDO:0007263, HP:0011675.
Long QT syndrome (LQTS). Identifiers: MedGen C0023976, MeSH D008133, MONDO:0002442. Disease mechanism: loss of function. Inheritance: Various modes of inheritance.

Allele frequency attached by ClinVar (database versions not stated): TOPMed below 0.00001; gnomAD 0.00001; gnomAD exomes 0.00001.

Submissions (4):

Labcorp Genetics (formerly Invitae), Labcorp
Classification: Uncertain significance for Long QT syndrome. Last evaluated: 2026-01-19. Review status: criteria provided, single submitter. Criteria: Invitae Variant Classification Sherloc (09022015). Collection method: clinical testing. Allele origin: germline.
Comment: This sequence change replaces proline, which is neutral and non-polar, with leucine, which is neutral and non-polar, at codon 764 of the KCNH2 protein (p.Pro764Leu). This variant is not present in population databases (gnomAD no frequency). This missense change has been observed in individuals with a suspected diagnosis of long QT syndrome (PMID: 23631430). ClinVar contains an entry for this variant (Variation ID: 237296). An algorithm developed to predict the effect of missense changes on protein structure and function (PolyPhen-2) suggests that this variant is likely to be disruptive. In summary, the available evidence is currently insufficient to determine the role of this variant in disease. Therefore, it has been classified as a Variant of Uncertain Significance.

Ambry Genetics
Classification: Uncertain significance for Cardiovascular phenotype. Last evaluated: 2025-09-12. Review status: criteria provided, single submitter. Criteria: Ambry Variant Classification Scheme 2023. Collection method: clinical testing. Allele origin: germline.
Comment: The p.P764L variant (also known as c.2291C>T), located in coding exon 9 of the KCNH2 gene, results from a C to T substitution at nucleotide position 2291. The proline at codon 764 is replaced by leucine, an amino acid with similar properties. This variant has been reported in individual(s) in a long QT syndrome genetic testing cohort (Lieve KV et al. Genet Test Mol Biomarkers, 2013 Jul;17:553-61). This amino acid position is highly conserved in available vertebrate species. In addition, this alteration is predicted to be deleterious by in silico analysis. Based on the available evidence, the clinical significance of this variant remains unclear.

All of Us Research Program, National Institutes of Health
Classification: Uncertain significance for Long QT syndrome. Last evaluated: 2024-05-14. Review status: criteria provided, single submitter. Criteria: ACMG Guidelines, 2015. Collection method: clinical testing. Allele origin: germline. Inheritance: Autosomal dominant inheritance. Observed: 6 variant alleles, 6 heterozygotes.
Comment: This missense variant replaces proline with leucine at codon 764 of the KCNH2 protein. Computational prediction suggests that this variant may have deleterious impact on protein structure and function (internally defined REVEL score threshold >= 0.7, PMID: 27666373). Splice site prediction tools suggest that this variant may not impact RNA splicing. To our knowledge, functional studies have not been performed for this variant. This variant has been reported in an individual referred for long QT syndrome genetic testing (PMID: 23631430). This variant has not been identified in the general population by the Genome Aggregation Database (gnomAD). The available evidence is insufficient to determine the role of this variant in disease conclusively. Therefore, this variant is classified as a Variant of Uncertain Significance.

This study involves interpretation of variants in research participants for the purpose of population health screening. Participant phenotype was not available at the time of variant classification. Additional details can be found in publication PMID: 35346344, PMCID: PMC8962531

Color Diagnostics, LLC DBA Color Health
Classification: Uncertain significance for Cardiac arrhythmia. Last evaluated: 2023-06-09. Review status: criteria provided, single submitter. Criteria: ACMG Guidelines, 2015. Collection method: clinical testing. Allele origin: germline.
Comment: This missense variant replaces proline with leucine at codon 764 of the KCNH2 protein. Computational prediction suggests that this variant may have deleterious impact on protein structure and function (internally defined REVEL score threshold >= 0.7, PMID: 27666373). Splice site prediction tools suggest that this variant may not impact RNA splicing. To our knowledge, functional studies have not been performed for this variant. This variant has been reported in an individual referred for long QT syndrome genetic testing (PMID: 23631430). This variant has not been identified in the general population by the Genome Aggregation Database (gnomAD). The available evidence is insufficient to determine the role of this variant in disease conclusively. Therefore, this variant is classified as a Variant of Uncertain Significance.

Literature cited by the submitters: PubMed 23631430 (cited by 4 submitters).

NM_000238.4(KCNH2):c.2291C>T (p.Pro764Leu)

Gene: KCNH2 (potassium voltage-gated channel subfamily H member 2; minus strand). Cytogenetic location: 7q36.1.
Variant type: single nucleotide variant.
Coding change: c.2291C>T on transcript NM_000238.4 (MANE Select); coding-DNA position 2291, C replaced by T.
Protein change: p.Pro764Leu; replaces proline 764 with leucine.
Molecular consequence: missense variant.
Genome position (GRCh38, 1-based): chr7:150,950,275, G>A on the plus strand (C>T on the coding strand, the complement: KCNH2 is on the minus strand). VCF-style: chr7-150950275-G-A. GRCh37 (hg19) VCF-style: chr7-150647363-G-A.
Other names: c.1271C>T, p.Pro424Leu (NM_001204798.2, NM_172057.3); c.2003C>T, p.Pro668Leu (NM_001406753.1, NM_001406756.1); c.2114C>T, p.Pro705Leu (NM_001406755.1); c.1991C>T, p.Pro664Leu (NM_001406757.1); c.2291C>T, p.Pro764Leu (NM_172056.3); short protein forms P424L, P764L, P664L, P668L, P705L.
Identifiers: ClinVar variation 237296 (VCV000237296.16), dbSNP rs878853773, ClinGen allele CA10582466.